The following is an entry in ClinVar:

ClinVar aggregate classification (germline): Uncertain significance. Review status: criteria provided, multiple submitters, no conflicts (2 of 4 stars). 2 submissions from 2 submitters: Uncertain significance (2). Last evaluated 2025-05-27.

Conditions:
Hereditary cancer-predisposing syndrome. Also called: Tumor predisposition; Hereditary neoplastic syndrome; Neoplastic Syndromes, Hereditary; Hereditary Cancer Syndrome. Identifiers: Orphanet 140162, MedGen C0027672, MeSH D009386, MONDO:0015356.
Haddad syndrome (OHD). Also called: Ondine-Hirschsprung disease. Identifiers: Orphanet 99803, MedGen C1859049, MONDO:0020493.

Submissions (2):

Labcorp Genetics (formerly Invitae), Labcorp
Classification: Uncertain significance for Haddad syndrome. Last evaluated: 2025-05-27. Review status: criteria provided, single submitter. Criteria: Invitae Variant Classification Sherloc (09022015). Collection method: clinical testing. Allele origin: germline.
Comment: This sequence change replaces serine, which is neutral and polar, with phenylalanine, which is neutral and non-polar, at codon 178 of the PHOX2B protein (p.Ser178Phe). This variant is not present in population databases (gnomAD no frequency). This variant has not been reported in the literature in individuals affected with PHOX2B-related conditions. ClinVar contains an entry for this variant (Variation ID: 1424658). Invitae Evidence Modeling of protein sequence and biophysical properties (such as structural, functional, and spatial information, amino acid conservation, physicochemical variation, residue mobility, and thermodynamic stability) indicates that this missense variant is not expected to disrupt PHOX2B protein function with a negative predictive value of 80%. In summary, the available evidence is currently insufficient to determine the role of this variant in disease. Therefore, it has been classified as a Variant of Uncertain Significance.

Ambry Genetics
Classification: Uncertain significance for Hereditary cancer-predisposing syndrome. Last evaluated: 2022-08-30. Review status: criteria provided, single submitter. Criteria: Ambry Variant Classification Scheme 2023. Collection method: clinical testing. Allele origin: germline.
Comment: The p.S178F variant (also known as c.533C>T), located in coding exon 3 of the PHOX2B gene, results from a C to T substitution at nucleotide position 533. The serine at codon 178 is replaced by phenylalanine, an amino acid with highly dissimilar properties. This amino acid position is conserved. In addition, the in silico prediction for this alteration is inconclusive. Since supporting evidence is limited at this time, the clinical significance of this alteration remains unclear.

NM_003924.4(PHOX2B):c.533C>T (p.Ser178Phe)

Gene: PHOX2B (paired like homeobox 2B; minus strand). Cytogenetic location: 4p13.
Variant type: single nucleotide variant.
Coding change: c.533C>T on transcript NM_003924.4 (MANE Select); coding-DNA position 533, C replaced by T.
Protein change: p.Ser178Phe; replaces serine 178 with phenylalanine.
Molecular consequence: missense variant.
Genome position (GRCh38, 1-based): chr4:41,746,219, G>A on the plus strand (C>T on the coding strand, the complement: PHOX2B is on the minus strand). VCF-style: chr4-41746219-G-A. GRCh37 (hg19) VCF-style: chr4-41748236-G-A.
Other names: short protein forms S178F.
Identifiers: ClinVar variation 1424658 (VCV001424658.10), dbSNP rs2153112806, ClinGen allele CA356738287.